The following is an entry in ClinVar:

NM_004006.3(DMD):c.9580A>C (p.Ile3194Leu)

Gene: DMD (dystrophin; minus strand). Cytogenetic location: Xp21.2.
Variant type: single nucleotide variant.
Coding change: c.9580A>C on transcript NM_004006.3 (MANE Select); coding-DNA position 9580, A replaced by C.
Protein change: p.Ile3194Leu; replaces isoleucine 3194 with leucine.
Molecular consequence: missense variant.
Genome position (GRCh38, 1-based): chrX:31,206,651, T>G on the plus strand (A>C on the coding strand, the complement: DMD is on the minus strand). VCF-style: chrX-31206651-T-G. GRCh37 (hg19) VCF-style: chrX-31224768-T-G.
Other names: c.9556A>C, p.Ile3186Leu (NM_000109.4); c.9568A>C, p.Ile3190Leu (NM_004009.3); c.9211A>C, p.Ile3071Leu (NM_004010.3); c.5557A>C, p.Ile1853Leu (NM_004011.4); c.5548A>C, p.Ile1850Leu (NM_004012.4); c.2200A>C, p.Ile734Leu (NM_004013.3, NM_004020.4, NM_004021.3 and 2 more transcripts); c.1393A>C, p.Ile465Leu (NM_004014.3); c.376A>C, p.Ile126Leu (NM_004015.3, NM_004016.3, NM_004017.3 and 2 more transcripts); short protein forms I3194L, I126L, I734L, I1853L, I3190L, I1850L, I3071L, I465L.
Identifiers: ClinVar variation 239615 (VCV000239615.25), dbSNP rs181517869, ClinGen allele CA10377775.

ClinVar aggregate classification (germline): Conflicting classifications of pathogenicity. Review status: criteria provided, conflicting classifications (1 of 4 stars). 5 submissions from 5 submitters: Uncertain significance (3); Likely benign (1). 1 of the submissions does not count toward it. Last evaluated 2026-01-21.

Conditions:
Cardiovascular phenotype. Identifiers: MedGen CN230736.
Cardiomyopathy (CMYO). Also called: Cardiomyopathies. Identifiers: Orphanet 167848, MedGen C0878544, MONDO:0004994, HP:0001638. Inheritance: Various modes of inheritance.
Becker muscular dystrophy (BMD). Also called: MUSCULAR DYSTROPHY, PSEUDOHYPERTROPHIC PROGRESSIVE, BECKER TYPE; Becker Muscular Dystrophy (BMD). Identifiers: Orphanet 98895, MedGen C0917713, MONDO:0010311, OMIM 300376.
Duchenne muscular dystrophy (DMD). Also called: Duchenne Muscular Dystrophy (DMD); MUSCULAR DYSTROPHY, PSEUDOHYPERTROPHIC PROGRESSIVE, DUCHENNE TYPE. Identifiers: Orphanet 98896, MedGen C0013264, MONDO:0010679, OMIM 310200.
Dystrophin deficiency.
Dilated cardiomyopathy 3B (CMD3B). Also called: CMD3B: DMD-Related Dilated Cardiomyopathy; CARDIOMYOPATHY, DILATED, X-LINKED; DMD-Associated Dilated Cardiomyopathy. Identifiers: Orphanet 154, MedGen C3668940, MONDO:0010542, OMIM 302045.

Allele frequency attached by ClinVar (database versions not stated): gnomAD exomes 0.00001 and 0.00002; ExAC 0.00004; TOPMed 0.00004; gnomAD 0.00006 and 0.00007; 1000 Genomes Project 30x 0.00021; 1000 Genomes Project 0.00026.
gnomAD v4.1: 19 of 1,207,558 alleles (0.0016%); highest among the groups gnomAD compares: Non-Finnish European, 0.002%; no homozygotes.

Submissions (5):

Labcorp Genetics (formerly Invitae), Labcorp
Classification: Likely benign for Duchenne muscular dystrophy. Last evaluated: 2026-01-21. Review status: criteria provided, single submitter. Criteria: Invitae Variant Classification Sherloc (09022015). Collection method: clinical testing. Allele origin: germline.

Ambry Genetics
Classification: Uncertain significance for Cardiovascular phenotype. Last evaluated: 2025-04-07. Review status: criteria provided, single submitter. Criteria: Ambry Variant Classification Scheme 2023. Collection method: clinical testing. Allele origin: germline.
Comment: The p.I3194L variant (also known as c.9580A>C), located in coding exon 66 of the DMD gene, results from an A to C substitution at nucleotide position 9580. The isoleucine at codon 3194 is replaced by leucine, an amino acid with highly similar properties. This variant was reported in individual(s) in a dilated cardiomyopathy (DCM) cohort (Janin A et al. Mol Diagn Ther, 2021 May;25:373-385). Based on data from gnomAD, the C allele has an overall frequency of 0.0025% (5/201607) total alleles studied, with 1 hemizygote(s) observed. The highest observed frequency was 0.0055% (5/90656) of European (non-Finnish) alleles. This amino acid position is highly conserved in available vertebrate species. In addition, the in silico prediction for this alteration is inconclusive. Based on the available evidence, the clinical significance of this variant remains unclear.

Athena Diagnostics
Classification: Uncertain significance. Last evaluated: 2021-12-20. Review status: criteria provided, single submitter. Criteria: Athena Diagnostics Criteria. Collection method: clinical testing. Allele origin: unknown.

Fulgent Genetics
Classification: Uncertain significance for Becker muscular dystrophy; Dilated cardiomyopathy 3B; Duchenne muscular dystrophy. Last evaluated: 2021-09-16. Review status: criteria provided, single submitter. Criteria: ACMG Guidelines, 2015. Collection method: clinical testing. Allele origin: unknown.

Natera, Inc.
Classification: Uncertain significance for Becker muscular dystrophy; Cardiomyopathy; Duchenne muscular dystrophy; Dystrophin deficiency. Last evaluated: 2019-07-01. Review status: no assertion criteria provided. Collection method: clinical testing. Allele origin: germline. Not counted in ClinVar's aggregate classification.

Literature cited by the submitters: PubMed 33829027 (cited by Ambry Genetics and Athena Diagnostics); PubMed 33954932 (cited by Ambry Genetics).